The following is an entry in ClinVar:

ClinVar aggregate classification (germline): Uncertain significance (1 of 4 stars; one submission).

Submission:

Labcorp Genetics (formerly Invitae), Labcorp
Classification: Uncertain significance. Last evaluated: 2025-02-13. Review status: criteria provided, single submitter. Criteria: Invitae Variant Classification Sherloc (09022015). Collection method: clinical testing. Allele origin: germline.
Comment: This sequence change replaces glutamic acid, which is acidic and polar, with lysine, which is basic and polar, at codon 103 of the IMPAD1 protein (p.Glu103Lys). This variant is not present in population databases (gnomAD no frequency). This variant has not been reported in the literature in individuals affected with IMPAD1-related conditions. An algorithm developed to predict the effect of missense changes on protein structure and function (PolyPhen-2) suggests that this variant is likely to be tolerated. In summary, the available evidence is currently insufficient to determine the role of this variant in disease. Therefore, it has been classified as a Variant of Uncertain Significance.

NM_017813.5(BPNT2):c.307G>A (p.Glu103Lys)

Gene: BPNT2 (3'(2'), 5'-bisphosphate nucleotidase 2; minus strand). Cytogenetic location: 8q12.1.
Variant type: single nucleotide variant.
Coding change: c.307G>A on transcript NM_017813.5 (MANE Select); coding-DNA position 307, G replaced by A.
Protein change: p.Glu103Lys; replaces glutamic acid 103 with lysine.
Molecular consequence: missense variant.
Genome position (GRCh38, 1-based): chr8:56,993,279, C>T on the plus strand (G>A on the coding strand, the complement: BPNT2 is on the minus strand). VCF-style: chr8-56993279-C-T. GRCh37 (hg19) VCF-style: chr8-57905838-C-T.
Other names: short protein forms E103K.
Identifiers: ClinVar variation 4766233 (VCV004766233.1).
Genomic context (GRCh38, chr8:56,993,279, plus strand): 5'-TCTTGAGCAGGTAGAACATCTTGCGGTTGGACAGCACGTCGCCGCTGGTCATCTTGTCCT[C>T]GGCTCCCTCGCGCGTCTTCCCCTTGGACTTCTCGTGGAGGACGTTGCTCTCGCGGACGCG-3'
Protein context (NP_060283.3, residues 93-113): KSKGKTREGA[Glu103Lys]DKMTSGDVLS